The following is an entry in ClinVar:

ClinVar aggregate classification (germline): Uncertain significance (1 of 4 stars; one submission).

Conditions:
Primary immunodeficiency with post-measles-mumps-rubella vaccine viral infection. Also called: Immunodeficiency 44. Identifiers: Orphanet 431166, MedGen C4225260, MONDO:0014715, OMIM 616636.

Submission:

Labcorp Genetics (formerly Invitae), Labcorp
Classification: Uncertain significance for Primary immunodeficiency with post-measles-mumps-rubella vaccine viral infection. Last evaluated: 2020-07-12. Review status: criteria provided, single submitter. Criteria: Invitae Variant Classification Sherloc (09022015). Collection method: clinical testing. Allele origin: germline.
Comment: In summary, the available evidence is currently insufficient to determine the role of this variant in disease. Therefore, it has been classified as a Variant of Uncertain Significance. Experimental studies and prediction algorithms are not available or were not evaluated, and the functional significance of this variant is currently unknown. This variant has not been reported in the literature in individuals with STAT2-related conditions. This variant is not present in population databases (ExAC no frequency). This variant, c.2130_2135del, results in the deletion of 2 amino acid(s) of the STAT2 protein (p.Glu711_Leu712del), but otherwise preserves the integrity of the reading frame.

NM_005419.4(STAT2):c.2130_2135del (p.Glu711_Leu712del)

Gene: STAT2 (signal transducer and activator of transcription 2; minus strand). Cytogenetic location: 12q13.3.
Variant type: Deletion.
Coding change: c.2130_2135del on transcript NM_005419.4 (MANE Select); coding-DNA positions 2130 to 2135, 6 bases deleted (GGAGCT; older notation c.2130_2135delGGAGCT).
Protein change: p.Glu711_Leu712del.
Molecular consequence: inframe deletion.
Genome position (GRCh38, 1-based): chr12:56,344,103-56,344,108, AGCTCC deleted on the plus strand (GGAGCT on the coding strand, the reverse complement: STAT2 is on the minus strand); deleting any 6 consecutive bases within chr12:56,344,103-56,344,111 gives the same sequence; the c. name uses the placement nearest the transcript's 3' end. VCF-style (leftmost placement, unchanged base first): chr12-56344102-AAGCTCC-A. GRCh37 (hg19) VCF-style: chr12-56737886-AAGCTCC-A.
Other names: c.2097_2102del, p.Glu700_Leu701del (NM_001385110.1); c.2031_2036del, p.Glu678_Leu679del (NM_001385111.1); c.2130_2135del, p.Glu711_Leu712del (NM_001385113.1); c.2109_2114del, p.Glu704_Leu705del (NM_001385114.1); c.2088_2093del, p.Glu697_Leu698del (NM_001385115.1); c.2118_2123del, p.Glu707_Leu708del (NM_198332.2).
Identifiers: ClinVar variation 1041807 (VCV001041807.8), dbSNP rs1876989869, ClinGen allele CA2038330952.